The following is an entry in ClinVar:

ClinVar aggregate classification (germline): Uncertain significance (1 of 4 stars; one submission).

Conditions:
CAPRIN1-related disorder. Also called: CAPRIN1-related condition.

Submission:

PreventionGenetics, part of Exact Sciences
Classification: Uncertain significance for CAPRIN1-related condition. Last evaluated: 2026-04-04. Review status: criteria provided, single submitter. Criteria: ACMG Guidelines, 2015. Collection method: clinical testing. Allele origin: germline.
Comment: The CAPRIN1 c.1586T>G variant is predicted to result in the amino acid substitution p.Val529Gly. To our knowledge, this variant has not been reported in the literature or in a large population database (gnomAD), indicating this variant is rare. At this time, the clinical significance of this variant is uncertain due to the absence of conclusive functional and genetic evidence.

NM_005898.5(CAPRIN1):c.1586T>G (p.Val529Gly)

Gene: CAPRIN1 (cell cycle associated protein 1; plus strand). Cytogenetic location: 11p13.
Variant type: single nucleotide variant.
Coding change: c.1586T>G on transcript NM_005898.5 (MANE Select); coding-DNA position 1586, T replaced by G.
Protein change: p.Val529Gly; replaces valine 529 with glycine.
Molecular consequence: missense variant.
Genome position (GRCh38, 1-based): chr11:34,091,937, T>G. VCF-style: chr11-34091937-T-G. GRCh37 (hg19) VCF-style: chr11-34113484-T-G.
Other names: c.1586T>G, p.Val529Gly (NM_203364.3); short protein forms V529G.
Identifiers: ClinVar variation 4996649 (VCV004996649.1).